The following is an entry in ClinVar:

ClinVar aggregate classification (germline): Uncertain significance (1 of 4 stars; one submission).

Conditions:
Cardiovascular phenotype. Identifiers: MedGen CN230736.
Hereditary cancer-predisposing syndrome. Also called: Tumor predisposition; Neoplastic Syndromes, Hereditary; Hereditary neoplastic syndrome; Hereditary Cancer Syndrome. Identifiers: Orphanet 140162, MedGen C0027672, MeSH D009386, MONDO:0015356.

Submission:

Ambry Genetics
Classification: Uncertain significance for Cardiovascular phenotype; Hereditary cancer-predisposing syndrome. Last evaluated: 2025-07-21. Review status: criteria provided, single submitter. Criteria: Ambry Variant Classification Scheme 2023. Collection method: clinical testing. Allele origin: germline.
Comment: The p.A191P variant (also known as c.571G>C), located in coding exon 6 of the LZTR1 gene, results from a G to C substitution at nucleotide position 571. The alanine at codon 191 is replaced by proline, an amino acid with highly similar properties. This amino acid position is highly conserved in available vertebrate species. In addition, the in silico prediction for this alteration is inconclusive. Based on the available evidence, the clinical significance of this variant remains unclear.

NM_006767.4(LZTR1):c.571G>C (p.Ala191Pro)

Gene: LZTR1 (leucine zipper like post translational regulator 1; plus strand). Cytogenetic location: 22q11.21.
Variant type: single nucleotide variant.
Coding change: c.571G>C on transcript NM_006767.4 (MANE Select); coding-DNA position 571, G replaced by C.
Protein change: p.Ala191Pro; replaces alanine 191 with proline.
Molecular consequence: missense variant.
Genome position (GRCh38, 1-based): chr22:20,988,850, G>C. VCF-style: chr22-20988850-G-C. GRCh37 (hg19) VCF-style: chr22-21343139-G-C.
Other names: short protein forms A191P.
Identifiers: ClinVar variation 4101833 (VCV004101833.1).